The following is an entry in ClinVar:

ClinVar aggregate classification (germline): Conflicting classifications of pathogenicity. Review status: criteria provided, conflicting classifications (1 of 4 stars). 5 submissions from 5 submitters: Uncertain significance (2); Likely benign (2). 1 of the submissions does not count toward it. Last evaluated 2025-12-11.

Conditions:
Inborn genetic diseases. Identifiers: MedGen C0950123, MeSH D030342.
CSF1R-related disorder. Also called: CSF1R-related condition. Identifiers: MedGen CN379780, MONDO:0100632.

Allele frequency attached by ClinVar (database versions not stated): ExAC 0.00013; TOPMed 0.00014; gnomAD exomes 0.00017.
gnomAD v4.1: 313 of 1,612,014 alleles (0.019%); highest among the groups gnomAD compares: Admixed American, 0.028%; no homozygotes.

Submissions (5):

Labcorp Genetics (formerly Invitae), Labcorp
Classification: Likely benign. Last evaluated: 2025-12-11. Review status: criteria provided, single submitter. Criteria: Invitae Variant Classification Sherloc (09022015). Collection method: clinical testing. Allele origin: germline.

Mayo Clinic Laboratories, Mayo Clinic
Classification: Uncertain significance. Last evaluated: 2025-04-14. Review status: criteria provided, single submitter. Criteria: ACMG Guidelines, 2015. Collection method: clinical testing. Allele origin: germline. Observed: 1 variant allele.
Comment: BP4

Blueprint Genetics
Classification: Likely benign. Last evaluated: 2024-02-14. Review status: criteria provided, single submitter. Criteria: ACMG Guidelines, 2015. Collection method: clinical testing. Allele origin: germline.

Ambry Genetics
Classification: Uncertain significance for Inborn genetic diseases. Last evaluated: 2022-04-11. Review status: criteria provided, single submitter. Criteria: Ambry Variant Classification Scheme 2023. Collection method: clinical testing. Allele origin: germline.
Comment: Unlikely to be causative of hereditary diffuse leukoencephalopathy with spheroids (AD) Based on insufficient or conflicting evidence, the clinical significance of this alteration remains unclear.

PreventionGenetics, part of Exact Sciences
Classification: Likely benign for CSF1R-related condition. Last evaluated: 2022-09-16. Review status: no assertion criteria provided. Collection method: clinical testing. Allele origin: germline. Not counted in ClinVar's aggregate classification.
Comment: This variant is classified as likely benign based on ACMG/AMP sequence variant interpretation guidelines (Richards et al. 2015 PMID: 25741868, with internal and published modifications).

NM_001288705.3(CSF1R):c.1517A>C (p.His506Pro)

Gene: CSF1R (colony stimulating factor 1 receptor; minus strand). Cytogenetic location: 5q32.
Variant type: single nucleotide variant.
Coding change: c.1517A>C on transcript NM_001288705.3 (MANE Select); coding-DNA position 1517, A replaced by C.
Protein change: p.His506Pro; replaces histidine 506 with proline.
Molecular consequence: missense variant. On other transcripts: non-coding transcript variant (2).
Genome position (GRCh38, 1-based): chr5:150,068,324, T>G on the plus strand (A>C on the coding strand, the complement: CSF1R is on the minus strand). VCF-style: chr5-150068324-T-G. GRCh37 (hg19) VCF-style: chr5-149447887-T-G.
Other names: p.His506Pro; c.1517A>C (NM_005211.3); c.1517A>C, p.His506Pro (NM_001349736.2, NM_001375320.1, NM_005211.4); c.1073A>C, p.His358Pro (NM_001375321.1); short protein forms H358P, H506P.
Identifiers: ClinVar variation 1546366 (VCV001546366.13), dbSNP rs142543645, ClinGen allele CA3506795.